The following is an entry in ClinVar:

NM_001287491.2(TET3):c.1723C>A (p.Pro575Thr)

Gene: TET3 (tet methylcytosine dioxygenase 3; plus strand). Cytogenetic location: 2p13.1.
Variant type: single nucleotide variant.
Coding change: c.1723C>A on transcript NM_001287491.2 (MANE Select); coding-DNA position 1723, C replaced by A.
Protein change: p.Pro575Thr; replaces proline 575 with threonine.
Molecular consequence: missense variant.
Genome position (GRCh38, 1-based): chr2:74,047,640, C>A. VCF-style: chr2-74047640-C-A. GRCh37 (hg19) VCF-style: chr2-74274767-C-A.
Other names: c.1444C>A, p.Pro482Thr (NM_001366022.1); short protein forms P482T, P575T.
Identifiers: ClinVar variation 1683564 (VCV001683564.4), dbSNP rs749720406, ClinGen allele CA1718659.
Genomic context (GRCh38, chr2:74,047,640, plus strand): 5'-TCTGCTCCTGGCTGGTGGCCCCCACCAAGTTCACCTGTCCCACGGCTTCCAGACAGACCA[C>A]CCAAGGAGAAGAAGAAGAAGCTCCCAACACCAGCTGGAGGTCCCGTGGGAACGGAGAAAG-3'
Protein context (NP_001274420.1, residues 565-585): SPVPRLPDRP[Pro575Thr]KEKKKKLPTP

ClinVar aggregate classification (germline): Uncertain significance. Review status: criteria provided, multiple submitters, no conflicts (2 of 4 stars). 2 submissions from 2 submitters: Uncertain significance (2). Last evaluated 2026-02-24.

Conditions:
Beck-Fahrner syndrome (BEFAHRS). Identifiers: Orphanet 684216, MedGen C5394097, MONDO:0032922, OMIM 618798.

Allele frequency attached by ClinVar (database versions not stated): ExAC 0.00003; gnomAD 0.00003 and 0.00004; gnomAD exomes 0.00006; TOPMed 0.00015.
gnomAD v4.1: 47 of 1,613,498 alleles (0.0029%); highest among the groups gnomAD compares: Admixed American, 0.02%; no homozygotes.

Submissions (2):

Dasa
Classification: Uncertain significance. Last evaluated: 2026-02-24. Review status: criteria provided, single submitter. Criteria: DASA Assertion Criteria. Collection method: clinical testing. Allele origin: germline.
Comment: NM_001287491.2(TET3):c.1723C>A (p.Pro575Thr) is a missense variant that results in the substitution of proline with threonine. This variant is rare in population databases. Computational prediction algorithms are consistent with a benign effect. The currently available literature and clinical evidence are not sufficient to establish a definitive association between this variant and the reported condition. Therefore, this variant is classified as a variant of uncertain significance.

Laboratorio de Genetica e Diagnostico Molecular, Hospital Israelita Albert Einstein
Classification: Uncertain significance for Beck-Fahrner syndrome. Last evaluated: 2021-07-05. Review status: criteria provided, single submitter. Criteria: ACMG Guidelines, 2015. Collection method: clinical testing. Allele origin: germline. Affected: yes.
Comment: ACMG classification criteria: BP4 supporting